The following is an entry in ClinVar:

ClinVar aggregate classification (germline): Uncertain significance (1 of 4 stars; one submission).

Conditions:
Retinitis pigmentosa 12 (RP12). Also called: RP WITH OR WITHOUT PPRPE; RP WITH OR WITHOUT PRESERVED PARAARTERIOLE RETINAL PIGMENT EPITHELIUM; RETINITIS PIGMENTOSA WITH OR WITHOUT PARAARTERIOLAR PRESERVATION OF RETINAL PIGMENT EPITHELIUM. Identifiers: Orphanet 791, MedGen C1838647, MONDO:0010818, OMIM 600105.
Leber congenital amaurosis 8 (LCA8). Identifiers: Orphanet 65, MedGen C3151202, MONDO:0013453, OMIM 613835.

Allele frequency attached by ClinVar (database versions not stated): gnomAD exomes below 0.00001; gnomAD 0.00002; TOPMed 0.00002.
gnomAD v4.1: 23 of 1,613,848 alleles (0.0014%); highest among the groups gnomAD compares: Non-Finnish European, 0.0018%; no homozygotes.

Submission:

Labcorp Genetics (formerly Invitae), Labcorp
Classification: Uncertain significance for Leber congenital amaurosis 8; Retinitis pigmentosa 12. Last evaluated: 2022-07-18. Review status: criteria provided, single submitter. Criteria: Invitae Variant Classification Sherloc (09022015). Collection method: clinical testing. Allele origin: germline.
Comment: This sequence change replaces serine, which is neutral and polar, with arginine, which is basic and polar, at codon 758 of the CRB1 protein (p.Ser758Arg). This variant is not present in population databases (gnomAD no frequency). This variant has not been reported in the literature in individuals affected with CRB1-related conditions. ClinVar contains an entry for this variant (Variation ID: 1429541). Advanced modeling of protein sequence and biophysical properties (such as structural, functional, and spatial information, amino acid conservation, physicochemical variation, residue mobility, and thermodynamic stability) performed at Invitae indicates that this missense variant is expected to disrupt CRB1 protein function. In summary, the available evidence is currently insufficient to determine the role of this variant in disease. Therefore, it has been classified as a Variant of Uncertain Significance.

NM_201253.3(CRB1):c.2274C>G (p.Ser758Arg)

Gene: CRB1 (crumbs cell polarity complex component 1; plus strand). Cytogenetic location: 1q31.3.
Variant type: single nucleotide variant.
Coding change: c.2274C>G on transcript NM_201253.3 (MANE Select); coding-DNA position 2274, C replaced by G.
Protein change: p.Ser758Arg; replaces serine 758 with arginine.
Molecular consequence: missense variant. On other transcripts: non-coding transcript variant (2), intron variant (1).
Genome position (GRCh38, 1-based): chr1:197,427,599, C>G. VCF-style: chr1-197427599-C-G. GRCh37 (hg19) VCF-style: chr1-197396729-C-G.
Other names: c.1938C>G, p.Ser646Arg (NM_001193640.2); c.2067C>G, p.Ser689Arg (NM_001257965.2); c.2128+5643C>G (NM_001257966.2); short protein forms S758R, S646R, S689R.
Identifiers: ClinVar variation 1429541 (VCV001429541.5), dbSNP rs1474289008, ClinGen allele CA344036873.
Genomic context (GRCh38, chr1:197,427,599, plus strand): 5'-CCTCTCCATGTTTGTCCGAACGCTTCAACCATCAGGCTTACTTCTAGCTTTGGAAAACAG[C>G]ACTTATCAATATATCCGTGTCTGGCTAGAGCGCGGCAGACTAGCAATGCTGACTCCAAAC-3'
Protein context (NP_957705.1, residues 748-768): PSGLLLALEN[Ser758Arg]TYQYIRVWLE